The following is an entry in ClinVar:

ClinVar aggregate classification (germline): Uncertain significance. Review status: criteria provided, multiple submitters, no conflicts (2 of 4 stars). 2 submissions from 2 submitters: Uncertain significance (2). Last evaluated 2023-04-18.

Conditions:
Inborn genetic diseases. Identifiers: MedGen C0950123, MeSH D030342.
Cone-rod dystrophy 2 (CORD2). Also called: CONE-ROD RETINAL DYSTROPHY; Cone-rod retinal dystrophy 2. Identifiers: Orphanet 1872, MedGen C3489532, MONDO:0007362, OMIM 120970.
Leber congenital amaurosis 7 (LCA7). Identifiers: Orphanet 65, MedGen C3151192, MONDO:0013449, OMIM 613829.

Allele frequency attached by ClinVar (database versions not stated): gnomAD exomes 0.00001 and 0.00002; ExAC 0.00002; TOPMed 0.00002; gnomAD 0.00003; ESP Exome Variant Server 0.00008.

Submissions (2):

Ambry Genetics
Classification: Uncertain significance for Inborn genetic diseases. Last evaluated: 2023-04-18. Review status: criteria provided, single submitter. Criteria: Ambry Variant Classification Scheme 2023. Collection method: clinical testing. Allele origin: germline.

Labcorp Genetics (formerly Invitae), Labcorp
Classification: Uncertain significance for Cone-rod dystrophy 2; Leber congenital amaurosis 7. Last evaluated: 2021-01-29. Review status: criteria provided, single submitter. Criteria: Invitae Variant Classification Sherloc (09022015). Collection method: clinical testing. Allele origin: germline.
Comment: In summary, the available evidence is currently insufficient to determine the role of this variant in disease. Therefore, it has been classified as a Variant of Uncertain Significance. Algorithms developed to predict the effect of sequence changes on RNA splicing suggest that this variant may create or strengthen a splice site, but this prediction has not been confirmed by published transcriptional studies. Algorithms developed to predict the effect of missense changes on protein structure and function (SIFT, PolyPhen-2, Align-GVGD) all suggest that this variant is likely to be disruptive, but these predictions have not been confirmed by published functional studies and their clinical significance is uncertain. This variant has not been reported in the literature in individuals with CRX-related conditions. This variant is present in population databases (rs146869548, ExAC 0.01%). This sequence change replaces glycine with serine at codon 217 of the CRX protein (p.Gly217Ser). The glycine residue is highly conserved and there is a small physicochemical difference between glycine and serine.

NM_000554.6(CRX):c.649G>A (p.Gly217Ser)

Gene: CRX (cone-rod homeobox; plus strand). Cytogenetic location: 19q13.33.
Variant type: single nucleotide variant.
Coding change: c.649G>A on transcript NM_000554.6 (MANE Select); coding-DNA position 649, G replaced by A.
Protein change: p.Gly217Ser; replaces glycine 217 with serine.
Molecular consequence: missense variant.
Genome position (GRCh38, 1-based): chr19:47,839,716, G>A. VCF-style: chr19-47839716-G-A. GRCh37 (hg19) VCF-style: chr19-48342973-G-A.
Other names: c.649G>A (NM_000554.4); short protein forms G217S.
Identifiers: ClinVar variation 1369314 (VCV001369314.9), dbSNP rs146869548, ClinGen allele CA9544542.